The following is an entry in ClinVar:

ClinVar aggregate classification (germline): Likely pathogenic (1 of 4 stars; one submission).

Conditions:
Intellectual developmental disorder, autosomal dominant 1. Also called: MBD5 Haploinsufficiency; Intellectual disability, autosomal dominant 1. Identifiers: Orphanet 228402, MedGen C1969562, MONDO:0007974, OMIM 156200.

Submission:

Clinical Genetics Laboratory, University Hospital Schleswig-Holstein
Classification: Likely pathogenic for Intellectual developmental disorder, autosomal dominant 1. Last evaluated: 2025-12-16. Review status: criteria provided, single submitter. Criteria: ACMG Guidelines, 2015. Collection method: clinical testing. Allele origin: maternal. Affected: yes. Observed: 1 heterozygote.
Comment: ACMG criteria applied: PVS1, PM2, BS4

NM_001378120.1(MBD5):c.2450C>A (p.Ser817Ter)

Gene: MBD5 (methyl-CpG binding domain protein 5; plus strand). Cytogenetic location: 2q23.1.
Variant type: single nucleotide variant.
Coding change: c.2450C>A on transcript NM_001378120.1 (MANE Select); coding-DNA position 2450, C replaced by A.
Protein change: p.Ser817Ter; replaces serine 817 with a stop codon.
Molecular consequence: nonsense.
Genome position (GRCh38, 1-based): chr2:148,470,393, C>A. VCF-style: chr2-148470393-C-A. GRCh37 (hg19) VCF-style: chr2-149227962-C-A.
Other names: c.2450C>A, p.Ser817Ter (NM_001438854.1, NM_001438855.1, NM_001438856.1 and 7 more transcripts); short protein forms S817*.
Identifiers: ClinVar variation 4081921 (VCV004081921.4).